The following is an entry in ClinVar:

ClinVar aggregate classification (germline): Uncertain significance (1 of 4 stars; one submission).

Conditions:
Familial sleep-related hypermotor epilepsy. Also called: Autosomal Dominant Sleep-Related Hypermotor (Hyperkinetic) Epilepsy. Identifiers: Orphanet 98784, MedGen C3696898, MONDO:0000030.

Allele frequency attached by ClinVar (database versions not stated): TOPMed 0.00006.
gnomAD v4.1: 33 of 1,567,420 alleles (0.0021%); highest among the groups gnomAD compares: South Asian, 0.0035%; no homozygotes.

Submission:

Labcorp Genetics (formerly Invitae), Labcorp
Classification: Uncertain significance. Last evaluated: 2025-01-28. Review status: criteria provided, single submitter. Criteria: Invitae Variant Classification Sherloc (09022015). Collection method: clinical testing. Allele origin: germline.
Comment: This sequence change replaces arginine, which is basic and polar, with tryptophan, which is neutral and slightly polar, at codon 485 of the CHRNA4 protein (p.Arg485Trp). The frequency data for this variant in the population databases is considered unreliable, as metrics indicate poor data quality at this position in the gnomAD database. This variant has not been reported in the literature in individuals affected with CHRNA4-related conditions. ClinVar contains an entry for this variant (Variation ID: 1003101). Invitae Evidence Modeling of protein sequence and biophysical properties (such as structural, functional, and spatial information, amino acid conservation, physicochemical variation, residue mobility, and thermodynamic stability) has been performed for this missense variant. However, the output from this modeling did not meet the statistical confidence thresholds required to predict the impact of this variant on CHRNA4 protein function. In summary, the available evidence is currently insufficient to determine the role of this variant in disease. Therefore, it has been classified as a Variant of Uncertain Significance.

NM_000744.7(CHRNA4):c.1453C>T (p.Arg485Trp)

Gene: CHRNA4 (cholinergic receptor nicotinic alpha 4 subunit; minus strand). Cytogenetic location: 20q13.33.
Variant type: single nucleotide variant.
Coding change: c.1453C>T on transcript NM_000744.7 (MANE Select); coding-DNA position 1453, C replaced by T.
Protein change: p.Arg485Trp; replaces arginine 485 with tryptophan.
Molecular consequence: missense variant. On other transcripts: non-coding transcript variant (1).
Genome position (GRCh38, 1-based): chr20:63,349,958, G>A on the plus strand (C>T on the coding strand, the complement: CHRNA4 is on the minus strand). VCF-style: chr20-63349958-G-A. GRCh37 (hg19) VCF-style: chr20-61981310-G-A.
Other names: c.925C>T, p.Arg309Trp (NM_001256573.2); short protein forms R309W, R485W.
Identifiers: ClinVar variation 1003101 (VCV001003101.6), dbSNP rs978124935, ClinGen allele CA317431971.